The following is an entry in ClinVar:

ClinVar aggregate classification (germline): Likely pathogenic (1 of 4 stars; one submission).

Conditions:
Autosomal recessive limb-girdle muscular dystrophy type 2U. Also called: Muscular dystrophy-dystroglycanopathy (limb-girdle), type c, 7; MUSCULAR DYSTROPHY, LIMB-GIRDLE, TYPE 2U. Identifiers: Orphanet 352479, MedGen C5190987, MONDO:0014474, OMIM 616052.
Muscular dystrophy-dystroglycanopathy (congenital with brain and eye anomalies), type A, 7. Also called: WALKER-WARBURG SYNDROME OR MUSCLE-EYE-BRAIN DISEASE, ISPD-RELATED; Congenital muscular dystrophy-dystroglycanopathy with brain and eye anomalies, type A7. Identifiers: Orphanet 899, MedGen C3553330, MONDO:0013835, OMIM 614643.

Allele frequency attached by ClinVar (database versions not stated): gnomAD exomes below 0.00001.
gnomAD v4.1: 2 of 1,471,430 alleles (0.00014%); highest among the groups gnomAD compares: Non-Finnish European, 0.00019%; no homozygotes.

Submission:

Labcorp Genetics (formerly Invitae), Labcorp
Classification: Likely pathogenic for Muscular dystrophy-dystroglycanopathy (congenital with brain and eye anomalies), type A, 7; Autosomal recessive limb-girdle muscular dystrophy type 2U. Last evaluated: 2022-03-24. Review status: criteria provided, single submitter. Criteria: Invitae Variant Classification Sherloc (09022015). Collection method: clinical testing. Allele origin: germline.
Comment: This sequence change falls in intron 5 of the ISPD gene. It does not directly change the encoded amino acid sequence of the ISPD protein. RNA analysis indicates that this variant induces altered splicing and may result in an absent or disrupted protein product. This variant is not present in population databases (gnomAD no frequency). This variant has been observed in individual(s) with clinical features of ISPD-related conditions (PMID: 26404900). ClinVar contains an entry for this variant (Variation ID: 640873). Studies have shown that this variant results in skipping of exon 6 and introduces a premature termination codon (PMID: 26404900). The resulting mRNA is expected to undergo nonsense-mediated decay. In summary, the currently available evidence indicates that the variant is pathogenic, but additional data are needed to prove that conclusively. Therefore, this variant has been classified as Likely Pathogenic.

Literature cited by the submitters: PubMed 26404900.

NM_001101426.4(CRPPA):c.836-5T>G

Gene: CRPPA (CDP-L-ribitol pyrophosphorylase A; minus strand). Cytogenetic location: 7p21.2.
Variant type: single nucleotide variant.
Coding change: c.836-5T>G on transcript NM_001101426.4 (MANE Select); 5 bases into the intron before coding-DNA position 836, T replaced by G.
Molecular consequence: intron variant.
Genome position (GRCh38, 1-based): chr7:16,278,231, A>C on the plus strand (T>G on the coding strand, the complement: CRPPA is on the minus strand). VCF-style: chr7-16278231-A-C. GRCh37 (hg19) VCF-style: chr7-16317856-A-C.
Other names: c.686-5T>G (NM_001101417.4); c.731-5T>G (NM_001368197.1).
Identifiers: ClinVar variation 640873 (VCV000640873.9), dbSNP rs1583487698, ClinGen allele CA915944880.
Genomic context (GRCh38, chr7:16,278,231, plus strand): 5'-ATGTTTGTTATCTTCTTCTGTATCCATAACTACACAAATCTCTTGGGAAATTCTCTCTGA[A>C]ATTAAAAAAAAAAAGTTTTAAGTTTCAAACAAAACATGTAACAAGGCCCTAGGATGCTGA-3'